The following is an entry in ClinVar:

ClinVar aggregate classification (germline): Uncertain significance (1 of 4 stars; one submission).

Conditions:
Myopathy, proximal, and ophthalmoplegia (CMYO6). Also called: INCLUSION BODY MYOPATHY 3, AUTOSOMAL DOMINANT; CONGENITAL MYOPATHY 6 WITH OPHTHALMOPLEGIA; MYOPATHY WITH CONGENITAL JOINT CONTRACTURES, OPHTHALMOPLEGIA, AND RIMMED VACUOLES. Identifiers: Orphanet 363677, Orphanet 79091, MedGen C1854106, MONDO:0011577, OMIM 605637.

Submission:

Labcorp Genetics (formerly Invitae), Labcorp
Classification: Uncertain significance for Myopathy, proximal, and ophthalmoplegia. Last evaluated: 2023-11-19. Review status: criteria provided, single submitter. Criteria: Invitae Variant Classification Sherloc (09022015). Collection method: clinical testing. Allele origin: germline.
Comment: This sequence change falls in intron 18 of the MYH2 gene. It does not directly change the encoded amino acid sequence of the MYH2 protein. This variant is not present in population databases (gnomAD no frequency). This variant has not been reported in the literature in individuals affected with MYH2-related conditions. Algorithms developed to predict the effect of sequence changes on RNA splicing suggest that this variant may disrupt the consensus splice site. In summary, the available evidence is currently insufficient to determine the role of this variant in disease. Therefore, it has been classified as a Variant of Uncertain Significance.

NM_017534.6(MYH2):c.2063-9C>G

Genes: MYHAS (myosin heavy chain gene cluster antisense RNA; plus strand), MYH2 (myosin heavy chain 2; minus strand). Cytogenetic location: 17p13.1.
Variant type: single nucleotide variant.
Coding change: c.2063-9C>G on transcript NM_017534.6 (MANE Select); 9 bases into the intron before coding-DNA position 2063, C replaced by G.
Molecular consequence: intron variant.
Genome position (GRCh38, 1-based): chr17:10,535,199, G>C on the plus strand (C>G on the coding strand, the complement: MYH2 is on the minus strand). VCF-style: chr17-10535199-G-C. GRCh37 (hg19) VCF-style: chr17-10438516-G-C.
Other names: c.2063-9C>G (NM_001100112.2).
Identifiers: ClinVar variation 2734621 (VCV002734621.3), dbSNP rs2508445754, ClinGen allele CA2697559420.